The following is an entry in ClinVar:

NM_001351132.2(PEX5):c.998G>T (p.Arg333Leu)

Gene: PEX5 (peroxisomal biogenesis factor 5; plus strand). Cytogenetic location: 12p13.31.
Variant type: single nucleotide variant.
Coding change: c.998G>T on transcript NM_001351132.2 (MANE Select); coding-DNA position 998, G replaced by T.
Protein change: p.Arg333Leu; replaces arginine 333 with leucine.
Molecular consequence: missense variant.
Genome position (GRCh38, 1-based): chr12:7,207,690, G>T. VCF-style: chr12-7207690-G-T. GRCh37 (hg19) VCF-style: chr12-7360286-G-T.
Other names: c.974G>T, p.Arg325Leu (NM_000319.5); c.1043G>T, p.Arg348Leu (NM_001131023.2); c.887G>T, p.Arg296Leu (NM_001131024.2, NM_001351124.3, NM_001351126.2 and 7 more transcripts); c.998G>T, p.Arg333Leu (NM_001131025.2, NM_001131026.2, NM_001300789.3 and 4 more transcripts); c.932G>T, p.Arg311Leu (NM_001351135.3, NM_001351138.2); c.989G>T, p.Arg330Leu (NM_001351136.2); c.863G>T, p.Arg288Leu (NM_001351139.2, NM_001351140.2, NM_001374649.2); short protein forms R288L, R296L, R311L, R325L, R330L, R333L, R348L.
Identifiers: ClinVar variation 1005924 (VCV001005924.6), dbSNP rs59209175, ClinGen allele CA383729981.

ClinVar aggregate classification (germline): Uncertain significance (1 of 4 stars; one submission).

Conditions:
Peroxisome biogenesis disorder 2B (PBD2B). Identifiers: Orphanet 44, MedGen C3550234, MONDO:0008736, OMIM 202370.

gnomAD v4.1: 1 of 1,613,974 alleles (0.000062%); highest among the groups gnomAD compares: African/African-American, 0.0013%; no homozygotes.

Submission:

Labcorp Genetics (formerly Invitae), Labcorp
Classification: Uncertain significance for Peroxisome biogenesis disorder 2B. Last evaluated: 2022-07-25. Review status: criteria provided, single submitter. Criteria: Invitae Variant Classification Sherloc (09022015). Collection method: clinical testing. Allele origin: germline.
Comment: This sequence change replaces arginine, which is basic and polar, with leucine, which is neutral and non-polar, at codon 333 of the PEX5 protein (p.Arg333Leu). This variant is not present in population databases (gnomAD no frequency). This variant has not been reported in the literature in individuals affected with PEX5-related conditions. ClinVar contains an entry for this variant (Variation ID: 1005924). Algorithms developed to predict the effect of missense changes on protein structure and function (SIFT, PolyPhen-2, Align-GVGD) all suggest that this variant is likely to be tolerated. In summary, the available evidence is currently insufficient to determine the role of this variant in disease. Therefore, it has been classified as a Variant of Uncertain Significance.